The following is an entry in ClinVar:

ClinVar aggregate classification (germline): Uncertain significance. Review status: criteria provided, multiple submitters, no conflicts (2 of 4 stars). 2 submissions from 2 submitters: Uncertain significance (2). Last evaluated 2025-09-23.

Conditions:
Hereditary cancer-predisposing syndrome. Also called: Neoplastic Syndromes, Hereditary; Tumor predisposition; Hereditary neoplastic syndrome; Hereditary Cancer Syndrome. Identifiers: Orphanet 140162, MedGen C0027672, MeSH D009386, MONDO:0015356.
Familial adenomatous polyposis 1 (FAP1). Also called: FAMILIAL ADENOMATOUS POLYPOSIS 1, ATTENUATED; POLYPOSIS, ADENOMATOUS INTESTINAL. Identifiers: MedGen C2713442, MONDO:0021056, OMIM 175100. Disease mechanism: loss of function.

Submissions (2):

Labcorp Genetics (formerly Invitae), Labcorp
Classification: Uncertain significance for Familial adenomatous polyposis 1. Last evaluated: 2025-09-23. Review status: criteria provided, single submitter. Criteria: Invitae Variant Classification Sherloc (09022015). Collection method: clinical testing. Allele origin: germline.
Comment: This variant, c.6248_6253del, results in the deletion of 2 amino acid(s) of the APC protein (p.Ile2083_Gln2084del), but otherwise preserves the integrity of the reading frame. This variant is present in population databases (no rsID available, gnomAD 0.007%). This variant has not been reported in the literature in individuals affected with APC-related conditions. ClinVar contains an entry for this variant (Variation ID: 1390846). Experimental studies and prediction algorithms are not available or were not evaluated, and the functional significance of this variant is currently unknown. In summary, the available evidence is currently insufficient to determine the role of this variant in disease. Therefore, it has been classified as a Variant of Uncertain Significance.

Ambry Genetics
Classification: Uncertain significance for Hereditary cancer-predisposing syndrome. Last evaluated: 2024-09-11. Review status: criteria provided, single submitter. Criteria: Ambry Variant Classification Scheme 2023. Collection method: clinical testing. Allele origin: germline.
Comment: The c.6248_6253delTACAGA variant (also known as p.I2083_Q2084del) is located in coding exon 15 of the APC gene. This variant results from an in-frame TACAGA deletion at nucleotide positions 6248 to 6253. This results in the in-frame deletion of amino acids at codons 2083 to 2084. This amino acid region is not well conserved in available vertebrate species. In addition, this alteration is predicted to be neutral by in silico analysis (Choi Y et al. PLoS ONE. 2012; 7(10):e46688). Based on the available evidence, the clinical significance of this variant remains unclear.

NM_000038.6(APC):c.6248_6253del (p.Ile2083_Gln2084del)

Gene: APC (APC regulator of Wnt signaling pathway; plus strand). Cytogenetic location: 5q22.2.
Variant type: Deletion.
Coding change: c.6248_6253del on transcript NM_000038.6 (MANE Select); coding-DNA positions 6248 to 6253, 6 bases deleted (TACAGA; older notation c.6248_6253delTACAGA).
Protein change: p.Ile2083_Gln2084del.
Molecular consequence: inframe deletion.
Genome position (GRCh38, 1-based): chr5:112,841,842-112,841,847, TACAGA deleted; deleting any 6 consecutive bases within chr5:112,841,841-112,841,847 gives the same sequence; the c. name uses the placement nearest the transcript's 3' end. VCF-style (leftmost placement, unchanged base first): chr5-112841840-TATACAG-T. GRCh37 (hg19) VCF-style: chr5-112177537-TATACAG-T.
Other names: c.6248_6253del, p.Ile2083_Gln2084del (NM_001127510.3, NM_001354895.2); c.6194_6199del, p.Ile2065_Gln2066del (NM_001127511.3); c.6302_6307del, p.Ile2101_Gln2102del (NM_001354896.2); c.6278_6283del, p.Ile2093_Gln2094del (NM_001354897.2); c.6173_6178del, p.Ile2058_Gln2059del (NM_001354898.2); c.6164_6169del, p.Ile2055_Gln2056del (NM_001354899.2); c.6125_6130del, p.Ile2042_Gln2043del (NM_001354900.2); c.6071_6076del, p.Ile2024_Gln2025del (NM_001354901.2); and 6 more.
Identifiers: ClinVar variation 1390846 (VCV001390846.9), dbSNP rs1561606060, ClinGen allele CA562217616.
Genomic context (GRCh38, chr5:112,841,840, plus strand): 5'-ACATAGTCCCAGAAATATGGGTGGCATATTAGGTGAAGATCTGACACTTGATTTGAAAGA[TATACAG>T]AGACCAGATTCAGAACATGGTCTATCCCCTGATTCAGAAAATTTTGATTGGAAAGCTATT-3'